The following is an entry in ClinVar:

NM_004725.4(BUB3):c.266A>G (p.Glu89Gly)

Gene: BUB3 (BUB3 mitotic checkpoint protein; plus strand). Cytogenetic location: 10q26.13.
Variant type: single nucleotide variant.
Coding change: c.266A>G on transcript NM_004725.4 (MANE Select); coding-DNA position 266, A replaced by G.
Protein change: p.Glu89Gly; replaces glutamic acid 89 with glycine.
Molecular consequence: missense variant.
Genome position (GRCh38, 1-based): chr10:123,157,729, A>G. VCF-style: chr10-123157729-A-G. GRCh37 (hg19) VCF-style: chr10-124917245-A-G.
Other names: c.266A>G, p.Glu89Gly (NM_001007793.3); short protein forms E89G.
Identifiers: ClinVar variation 2448138 (VCV002448138.2), dbSNP rs2493759733, ClinGen allele CA378625328.
Genomic context (GRCh38, chr10:123,157,729, plus strand): 5'-TCTTTAGTAAAGGTAGTAAGCTAGATGTTGGGGTTTTTTCCCCTTTTTTTTTCTCTATAG[A>G]AAATCTTGTTGGGACCCATGATGCCCCTATCAGATGTGTTGAATACTGTCCAGAAGTGAA-3'
Protein context (NP_004716.1, residues 79-99): LKMHDLNTDQ[Glu89Gly]NLVGTHDAPI

ClinVar aggregate classification (germline): Uncertain significance (1 of 4 stars; one submission).

Submission:

Ambry Genetics
Classification: Uncertain significance. Last evaluated: 2022-12-24. Review status: criteria provided, single submitter. Criteria: Ambry Variant Classification Scheme 2023. Collection method: clinical testing. Allele origin: germline.
Comment: The p.E89G variant (also known as c.266A>G) is located in coding exon 3 of the BUB3 gene. The glutamic acid at codon 89 is replaced by glycine, an amino acid with similar properties. This change occurs in the first base pair of coding exon 3. This amino acid position is conserved. In addition, this alteration is predicted to be tolerated by in silico analysis. Since supporting evidence is limited at this time, the clinical significance of this alteration remains unclear.